The following is an entry in ClinVar:

ClinVar aggregate classification (germline): Benign. Review status: criteria provided, multiple submitters, no conflicts (2 of 4 stars). 8 submissions from 8 submitters: Benign (7). 1 of the submissions does not count toward it. Last evaluated 2026-02-04.

Conditions:
Cardiovascular phenotype. Identifiers: MedGen CN230736.
Alstrom syndrome (ALMS). Identifiers: Orphanet 64, MedGen C0268425, MONDO:0008763, OMIM 203800.

Allele frequency attached by ClinVar (database versions not stated): ESP Exome Variant Server 0.12013; 1000 Genomes Project 30x 0.12242; TOPMed 0.12493; 1000 Genomes Project 0.12680; gnomAD exomes 0.13432; ExAC 0.13761.
gnomAD v4.1: 222,546 of 1,613,854 alleles (14%); highest among the groups gnomAD compares: East Asian, 24%; 16,134 homozygotes.

Submissions (8):

Labcorp Genetics (formerly Invitae), Labcorp
Classification: Benign for Alstrom syndrome. Last evaluated: 2026-02-04. Review status: criteria provided, single submitter. Criteria: Invitae Variant Classification Sherloc (09022015). Collection method: clinical testing. Allele origin: germline.

Blueprint Genetics
Classification: Benign. Last evaluated: 2024-11-26. Review status: criteria provided, single submitter. Criteria: ACMG Guidelines, 2015. Collection method: clinical testing. Allele origin: germline.

Genome-Nilou Lab
Classification: Benign for Alstrom syndrome. Last evaluated: 2021-07-14. Review status: criteria provided, single submitter. Criteria: ACMG Guidelines, 2015. Collection method: clinical testing. Allele origin: germline. Affected: no.

Ambry Genetics
Classification: Benign for Cardiovascular phenotype. Last evaluated: 2018-12-21. Review status: criteria provided, single submitter. Criteria: Ambry Variant Classification Scheme 2023. Collection method: clinical testing. Allele origin: germline.

GeneDx
Classification: Benign. Last evaluated: 2016-09-23. Review status: criteria provided, single submitter. Criteria: GeneDx Variant Classification (06012015). Collection method: clinical testing. Allele origin: germline. Affected: yes.
Comment: This variant is considered likely benign or benign based on one or more of the following criteria: it is a conservative change, it occurs at a poorly conserved position in the protein, it is predicted to be benign by multiple in silico algorithms, and/or has population frequency not consistent with disease.

Laboratory for Molecular Medicine, Mass General Brigham Personalized Medicine
Classification: Benign. Last evaluated: 2016-03-21. Review status: criteria provided, single submitter. Criteria: LMM Criteria. Collection method: clinical testing. Allele origin: germline. Observed: 62 variant alleles.
Comment: p.Ser2574Asn in exon 10 of ALMS1: This variant is not expected to have clinical significance because it has been identified in 21.64% (1866/8622) of East Asian chromosomes by the Exome Aggregation Consortium (ExAC; dbSNP rs3820700).

Breakthrough Genomics
Classification: Benign. Review status: criteria provided, single submitter. Criteria: ACMG Guidelines, 2015. Collection method: not provided. Allele origin: germline. Inheritance: Autosomal recessive inheritance. Affected: yes.

Natera, Inc.
Classification: Benign for Alstrom syndrome. Last evaluated: 2020-09-16. Review status: no assertion criteria provided. Collection method: clinical testing. Allele origin: germline. Not counted in ClinVar's aggregate classification.

NM_001378454.1(ALMS1):c.7724G>A (p.Ser2575Asn)

Gene: ALMS1 (ALMS1 centrosome and basal body associated protein; plus strand). Cytogenetic location: 2p13.1.
Variant type: single nucleotide variant.
Coding change: c.7724G>A on transcript NM_001378454.1 (MANE Select); coding-DNA position 7724, G replaced by A.
Protein change: p.Ser2575Asn; replaces serine 2575 with asparagine.
Molecular consequence: missense variant.
Genome position (GRCh38, 1-based): chr2:73,489,683, G>A. VCF-style: chr2-73489683-G-A. GRCh37 (hg19) VCF-style: chr2-73716810-G-A.
Other names: c.7727G>A, p.Ser2576Asn (NM_015120.4); short protein forms S2576N, S2575N.
Identifiers: ClinVar variation 383774 (VCV000383774.23), dbSNP rs3820700, ClinGen allele CA1714331.